The following is an entry in ClinVar:

NM_001002029.3(C4B):c.3442G>A (p.Ala1148Thr)

Gene: C4B (complement C4B (Chido/Rodgers blood group); plus strand). Cytogenetic location: 6p21.33.
Variant type: single nucleotide variant.
Coding change: c.3442G>A on transcript NM_001002029.3; coding-DNA position 3442, G replaced by A.
Protein change: p.Ala1148Thr; replaces alanine 1148 with threonine.
Molecular consequence: missense variant (on NM_001352000.1).
Genome position (GRCh38, 1-based): chr6:32,028,999, G>A. VCF-style: chr6-32028999-G-A. GRCh37 (hg19) VCF-style: chr6-31996776-G-A.
Other names: c.3442G>A, p.Ala1148Thr (NM_001242823.1, NM_001352000.1, NM_000592.4); short protein forms A1148T.
Identifiers: ClinVar variation 1034339 (VCV001034339.1), dbSNP rs756439916, ClinGen allele CA3732091.

ClinVar aggregate classification (germline): Uncertain significance (1 of 4 stars; one submission).

Conditions:
Complement component 4b deficiency. Identifiers: MedGen C5779962, MONDO:0013720, OMIM 614379.

Allele frequency attached by ClinVar (database versions not stated): ExAC 0.00001; gnomAD exomes 0.00001.
gnomAD v4.1: 11 of 1,553,502 alleles (0.00071%); highest among the groups gnomAD compares: African/African-American, 0.0014%; no homozygotes.

Submission:

Baylor Genetics
Classification: Uncertain significance for Complement component 4b deficiency. Last evaluated: 2018-03-26. Review status: criteria provided, single submitter. Criteria: ACMG Guidelines, 2015. Collection method: clinical testing. Allele origin: unknown. Affected: yes.
Comment: This variant was determined to be of uncertain significance according to ACMG Guidelines, 2015 [PMID:25741868].